The following is an entry in ClinVar:

ClinVar aggregate classification (germline): Uncertain significance (1 of 4 stars; one submission).

gnomAD v4.1: 1 of 1,611,954 alleles (0.000062%); highest among the groups gnomAD compares: Admixed American, 0.0017%; no homozygotes.

Submission:

Labcorp Genetics (formerly Invitae), Labcorp
Classification: Uncertain significance. Last evaluated: 2025-03-28. Review status: criteria provided, single submitter. Criteria: Invitae Variant Classification Sherloc (09022015). Collection method: clinical testing. Allele origin: germline.
Comment: This sequence change replaces glutamic acid, which is acidic and polar, with glutamine, which is neutral and polar, at codon 1120 of the ITSN2 protein (p.Glu1120Gln). This variant is present in population databases (rs766675476, gnomAD 0.003%). This variant has not been reported in the literature in individuals affected with ITSN2-related conditions. Experimental studies and prediction algorithms are not available or were not evaluated, and the functional significance of this variant is currently unknown. In summary, the available evidence is currently insufficient to determine the role of this variant in disease. Therefore, it has been classified as a Variant of Uncertain Significance.

NM_006277.3(ITSN2):c.3358G>C (p.Glu1120Gln)

Gene: ITSN2 (intersectin 2; minus strand). Cytogenetic location: 2p23.3.
Variant type: single nucleotide variant.
Coding change: c.3358G>C on transcript NM_006277.3 (MANE Select); coding-DNA position 3358, G replaced by C.
Protein change: p.Glu1120Gln; replaces glutamic acid 1120 with glutamine.
Molecular consequence: missense variant.
Genome position (GRCh38, 1-based): chr2:24,246,824, C>G on the plus strand (G>C on the coding strand, the complement: ITSN2 is on the minus strand). VCF-style: chr2-24246824-C-G. GRCh37 (hg19) VCF-style: chr2-24469693-C-G.
Other names: c.3316G>C, p.Glu1106Gln (NM_001348181.2); c.3238G>C, p.Glu1080Gln (NM_001348182.2, NM_001348186.2); c.3277G>C, p.Glu1093Gln (NM_001348183.2, NM_019595.4); c.3235G>C, p.Glu1079Gln (NM_001348184.2); c.3319G>C, p.Glu1107Gln (NM_001348185.2); c.3358G>C, p.Glu1120Gln (NM_147152.3); short protein forms E1079Q, E1080Q, E1093Q, E1106Q, E1107Q, E1120Q.
Identifiers: ClinVar variation 4798680 (VCV004798680.1).
Genomic context (GRCh38, chr2:24,246,824, plus strand): 5'-TAAAATGAAATACAAATTAACCCACTTCCATACCAGGATGAAAGGCAGGTGTGGCTCTTT[C>G]ACTACTTGGACCCAAAAGTTTAACATGACTGGCAGGAAACCATCCTTTCTGTCGCTTTTT-3'
Protein context (NP_006268.2, residues 1110-1130): SHVKLLGPSS[Glu1120Gln]RATPAFHPVC